The following is an entry in ClinVar:

ClinVar aggregate classification (germline): Uncertain significance (1 of 4 stars; one submission).

Conditions:
Polycystic kidney disease, adult type (PKD1). Also called: Polycystic Kidney Disease 1, Autosomal Dominant; Polycystic kidney disease 1; Polycystic kidney disease 1, severe; POLYCYSTIC KIDNEY DISEASE, ADULT, TYPE I; Polycystic Kidney, Autosomal Dominant; POLYCYSTIC KIDNEY DISEASE 1 WITH OR WITHOUT POLYCYSTIC LIVER DISEASE. Identifiers: MedGen C3149841, MONDO:0008263, OMIM 173900.

Submission:

Victorian Clinical Genetics Services, Murdoch Childrens Research Institute
Classification: Uncertain significance for Polycystic kidney disease, adult type. Last evaluated: 2026-06-02. Review status: criteria provided, single submitter. Criteria: ACMG Guidelines, 2015. Collection method: clinical testing. Allele origin: germline. Affected: yes.
Comment: This variant is classified as VUS-3B. Evidence in support of pathogenic classification: Variant is absent from gnomAD (v2, v3 and v4). Additional information: Variant is predicted to result in a missense amino acid change from Phe to Tyr; This variant is heterozygous; This gene is associated with autosomal dominant disease. Polycystic kidney disease 1 (MIM#173900) is predominantly caused by monoallelic variants, with rare reports of biallelic variants causing disease (OMIM); Alternative amino acid change(s) at the same position are present in gnomAD (highest allele count: v4: 1 heterozygote(s), 0 homozygote(s)); This variant has no previous evidence of pathogenicity; No published evidence of segregation with disease has been identified for this variant; No published functional evidence has been identified for this variant; No comparable missense variants have previous evidence for pathogenicity; Variant is located in the annotated polycystin cation channel domain (DECIPHER); Missense variant with inconclusive in silico prediction and/or uninformative conservation; Loss of function is a known mechanism of disease in this gene and is associated with polycystic kidney disease 1 (MIM#173900); Inheritance information for this variant is not currently available in this individual.

NM_001009944.3(PKD1):c.12044T>A (p.Phe4015Tyr)

Gene: PKD1 (polycystin 1, transient receptor potential channel interacting; minus strand). Cytogenetic location: 16p13.3.
Variant type: single nucleotide variant.
Coding change: c.12044T>A on transcript NM_001009944.3 (MANE Select); coding-DNA position 12044, T replaced by A.
Protein change: p.Phe4015Tyr; replaces phenylalanine 4015 with tyrosine.
Molecular consequence: missense variant.
Genome position (GRCh38, 1-based): chr16:2,090,768, A>T on the plus strand (T>A on the coding strand, the complement: PKD1 is on the minus strand). VCF-style: chr16-2090768-A-T. GRCh37 (hg19) VCF-style: chr16-2140769-A-T.
Other names: c.12041T>A, p.Phe4014Tyr (NM_000296.4); short protein forms F4014Y, F4015Y.
Identifiers: ClinVar variation 4879601 (VCV004879601.1).